The following is an entry in ClinVar:

NM_001355436.2(SPTB):c.5705C>T (p.Thr1902Met)

Gene: SPTB (spectrin beta, erythrocytic; minus strand). Cytogenetic location: 14q23.3.
Variant type: single nucleotide variant.
Coding change: c.5705C>T on transcript NM_001355436.2 (MANE Select); coding-DNA position 5705, C replaced by T.
Protein change: p.Thr1902Met; replaces threonine 1902 with methionine.
Molecular consequence: missense variant.
Genome position (GRCh38, 1-based): chr14:64,770,978, G>A on the plus strand (C>T on the coding strand, the complement: SPTB is on the minus strand). VCF-style: chr14-64770978-G-A. GRCh37 (hg19) VCF-style: chr14-65237696-G-A.
Other names: NM_000347.5:c.5705C>T; c.5705C>T, p.Thr1902Met (NM_001024858.4, NM_001355437.2); short protein forms T1902M.
Identifiers: ClinVar variation 2663722 (VCV002663722.2), dbSNP rs747851511, ClinGen allele CA7229886.

ClinVar aggregate classification (germline): Uncertain significance. Review status: criteria provided, multiple submitters, no conflicts (2 of 4 stars). 2 submissions from 2 submitters: Uncertain significance (2). Last evaluated 2025-03-26.

Conditions:
Inborn genetic diseases. Identifiers: MedGen C0950123, MeSH D030342.

Allele frequency attached by ClinVar (database versions not stated): ExAC 0.00002.
gnomAD v4.1: 32 of 1,613,996 alleles (0.002%); highest among the groups gnomAD compares: African/African-American, 0.011%; no homozygotes.

Submissions (2):

Ambry Genetics
Classification: Uncertain significance for Inborn genetic diseases. Last evaluated: 2025-03-26. Review status: criteria provided, single submitter. Criteria: Ambry Variant Classification Scheme 2023. Collection method: clinical testing. Allele origin: germline.

GeneDx
Classification: Uncertain significance. Last evaluated: 2023-05-05. Review status: criteria provided, single submitter. Criteria: GeneDx Variant Classification Process June 2021. Collection method: clinical testing. Allele origin: germline. Affected: yes.
Comment: In silico analysis supports that this missense variant has a deleterious effect on protein structure/function; Has not been previously published as pathogenic or benign to our knowledge